The following is an entry in ClinVar:

NM_001128840.3(CACNA1D):c.6214G>A (p.Gly2072Arg)

Gene: CACNA1D (calcium voltage-gated channel subunit alpha1 D; plus strand). Cytogenetic location: 3p21.1.
Variant type: single nucleotide variant.
Coding change: c.6214G>A on transcript NM_001128840.3 (MANE Select); coding-DNA position 6214, G replaced by A.
Protein change: p.Gly2072Arg; replaces glycine 2072 with arginine.
Molecular consequence: missense variant.
Genome position (GRCh38, 1-based): chr3:53,811,134, G>A. VCF-style: chr3-53811134-G-A. GRCh37 (hg19) VCF-style: chr3-53845161-G-A.
Other names: c.6274G>A, p.Gly2092Arg (NM_000720.4); c.6142G>A, p.Gly2048Arg (NM_001128839.3); short protein forms G2092R, G2072R, G2048R.
Identifiers: ClinVar variation 4715195 (VCV004715195.1).

ClinVar aggregate classification (germline): Uncertain significance (1 of 4 stars; one submission).

Submission:

Labcorp Genetics (formerly Invitae), Labcorp
Classification: Uncertain significance. Last evaluated: 2025-03-29. Review status: criteria provided, single submitter. Criteria: Invitae Variant Classification Sherloc (09022015). Collection method: clinical testing. Allele origin: germline.
Comment: This sequence change replaces glycine, which is neutral and non-polar, with arginine, which is basic and polar, at codon 2092 of the CACNA1D protein (p.Gly2092Arg). This variant is not present in population databases (gnomAD no frequency). This variant has not been reported in the literature in individuals affected with CACNA1D-related conditions. An algorithm developed to predict the effect of missense changes on protein structure and function (PolyPhen-2) suggests that this variant is likely to be disruptive. In summary, the available evidence is currently insufficient to determine the role of this variant in disease. Therefore, it has been classified as a Variant of Uncertain Significance.